The following is an entry in ClinVar:

ClinVar aggregate classification (germline): Conflicting classifications of pathogenicity. Review status: criteria provided, conflicting classifications (1 of 4 stars). 3 submissions from 3 submitters: Uncertain significance (1); Likely benign (1). 1 of the submissions does not count toward it. Last evaluated 2024-09-20.

Conditions:
Van Maldergem syndrome 1 (VMLDS1). Also called: Van Maldergem syndrome 1 (VMLDS1). Identifiers: Orphanet 314679, MedGen C4551950, MONDO:0011070, OMIM 601390.

Allele frequency attached by ClinVar (database versions not stated): gnomAD exomes 0.00003 and 0.00006; ExAC 0.00006.
gnomAD v4.1: 42 of 1,613,798 alleles (0.0026%); highest among the groups gnomAD compares: East Asian, 0.031%; no homozygotes.

Submissions (3):

3billion
Classification: Likely benign for Van Maldergem syndrome 1. Last evaluated: 2024-09-20. Review status: criteria provided, single submitter. Criteria: ACMG Guidelines, 2015. Collection method: clinical testing. Allele origin: germline. Affected: no.
Comment: The homozygous variant was found in patients diagnosed with another variant in a different gene, with no symptoms related to the gene containing the homozygous variant.

Labcorp Genetics (formerly Invitae), Labcorp
Classification: Uncertain significance. Last evaluated: 2024-09-18. Review status: criteria provided, single submitter. Criteria: Invitae Variant Classification Sherloc (09022015). Collection method: clinical testing. Allele origin: germline.
Comment: This sequence change replaces threonine, which is neutral and polar, with methionine, which is neutral and non-polar, at codon 532 of the DCHS1 protein (p.Thr532Met). This variant is present in population databases (rs775257367, gnomAD 0.05%). This variant has not been reported in the literature in individuals affected with DCHS1-related conditions. ClinVar contains an entry for this variant (Variation ID: 1049154). Invitae Evidence Modeling of protein sequence and biophysical properties (such as structural, functional, and spatial information, amino acid conservation, physicochemical variation, residue mobility, and thermodynamic stability) indicates that this missense variant is expected to disrupt DCHS1 protein function with a positive predictive value of 80%. In summary, the available evidence is currently insufficient to determine the role of this variant in disease. Therefore, it has been classified as a Variant of Uncertain Significance.

Department of Pathology and Laboratory Medicine, Sinai Health System
Classification: Uncertain significance. Review status: no assertion criteria provided. Collection method: clinical testing. Allele origin: unknown. Affected: yes. Study: The Canadian Open Genetics Repository (COGR). Not counted in ClinVar's aggregate classification.
Comment: The DCHS1 p.Thr532Met variant was not identified in the literature nor was it identified in ClinVar, Cosmic or LOVD 3.0. The variant was identified in dbSNP (ID: rs775257367) and in control databases in 15 of 282460 chromosomes at a frequency of 0.000053 (Genome Aggregation Database Feb 27, 2017). The variant was observed in the following populations: East Asian in 9 of 19952 chromosomes (freq: 0.000451), Other in 2 of 7208 chromosomes (freq: 0.000278), Latino in 1 of 35426 chromosomes (freq: 0.000028), European (non-Finnish) in 3 of 128840 chromosomes (freq: 0.000023), but was not observed in the African, Ashkenazi Jewish, European (Finnish) or South Asian populations. The p.Thr532 residue is conserved in mammals but not in more distantly related organisms, and four out of five computational analyses (PolyPhen-2, SIFT, AlignGVGD, BLOSUM, MutationTaster) suggest that the variant may impact the protein; however, this information is not predictive enough to assume pathogenicity. The variant occurs outside of the splicing consensus sequence and in silico or computational prediction software programs (SpliceSiteFinder, MaxEntScan, NNSPLICE, GeneSplicer) do not predict a difference in splicing. In summary, based on the above information the clinical significance of this variant cannot be determined with certainty at this time. This variant is classified as a variant of uncertain significance.

NM_003737.4(DCHS1):c.1595C>T (p.Thr532Met)

Gene: DCHS1 (dachsous cadherin-related 1; minus strand). Cytogenetic location: 11p15.4.
Variant type: single nucleotide variant.
Coding change: c.1595C>T on transcript NM_003737.4 (MANE Select); coding-DNA position 1595, C replaced by T.
Protein change: p.Thr532Met; replaces threonine 532 with methionine.
Molecular consequence: missense variant.
Genome position (GRCh38, 1-based): chr11:6,640,019, G>A on the plus strand (C>T on the coding strand, the complement: DCHS1 is on the minus strand). VCF-style: chr11-6640019-G-A. GRCh37 (hg19) VCF-style: chr11-6661250-G-A.
Other names: short protein forms T532M.
Identifiers: ClinVar variation 1049154 (VCV001049154.7), dbSNP rs775257367, ClinGen allele CA5860936.